The following is an entry in ClinVar:

NM_016955.4(SEPSECS):c.546delinsCG (p.Phe184_Glu185insTer)

Gene: SEPSECS (Sep (O-phosphoserine) tRNA:Sec (selenocysteine) tRNA synthase; minus strand). Cytogenetic location: 4p15.2.
Variant type: Indel.
Coding change: c.546delinsCG on transcript NM_016955.4 (MANE Select); coding-DNA position 546, A replaced by CG.
Protein change: p.Phe184_Glu185insTer.
Molecular consequence: frameshift variant.
Genome position (GRCh38, 1-based): chr4:25,156,038, T replaced by CG on the plus strand (A replaced by CG on the coding strand, the reverse complement: SEPSECS is on the minus strand). VCF-style: chr4-25156038-T-CG. GRCh37 (hg19) VCF-style: chr4-25157660-T-CG.
Other names: c.801delinsCG, p.Phe269_Glu270insTer (NM_001410714.1).
Identifiers: ClinVar variation 4815892 (VCV004815892.1).

ClinVar aggregate classification (germline): Likely pathogenic (1 of 4 stars; one submission).

Conditions:
Pontocerebellar hypoplasia type 2D (PCH2D). Also called: Progressive cerebello-cerebral atrophy. Identifiers: Orphanet 247198, Orphanet 2524, MedGen C3151140, MONDO:0013438, OMIM 613811.

Submission:

Natera, Inc.
Classification: Likely pathogenic for Pontocerebellar hypoplasia type 2d. Last evaluated: 2025-07-28. Review status: criteria provided, single submitter. Criteria: Natera Variant Classification Schema (03/2026). Collection method: clinical testing. Allele origin: germline.
Comment: The c.546delinsCG variant in SEPSECS is a frameshift variant predicted to shift the reading frame and introduce a stop codon. This variant is expected to result in nonsense mediated decay, truncation, or a dysfunctional protein product. This variant is rare in the general population with a frequency below the threshold expected for the associated phenotype(s). Given the available evidence, this variant is classified as Likely Pathogenic.